The following is an entry in ClinVar:

ClinVar aggregate classification (germline): Benign/Likely benign. Review status: criteria provided, multiple submitters, no conflicts (2 of 4 stars). 4 submissions from 4 submitters: Benign (1); Likely benign (3). Last evaluated 2025-04-20.

Conditions:
Hereditary cancer-predisposing syndrome. Also called: Neoplastic Syndromes, Hereditary; Tumor predisposition; Hereditary neoplastic syndrome; Hereditary Cancer Syndrome. Identifiers: Orphanet 140162, MedGen C0027672, MeSH D009386, MONDO:0015356.
Hereditary nonpolyposis colorectal neoplasms. Identifiers: MedGen C0009405, MeSH D003123.
Lynch syndrome 4 (LYNCH4). Also called: Colorectal cancer, hereditary nonpolyposis, type 4; Hereditary non-polyposis colorectal cancer, type 4. Identifiers: Orphanet 144, MedGen C1838333, MONDO:0013699, OMIM 614337. Disease mechanism: loss of function.

Submissions (4):

Labcorp Genetics (formerly Invitae), Labcorp
Classification: Likely benign for Hereditary nonpolyposis colorectal neoplasms. Last evaluated: 2025-04-20. Review status: criteria provided, single submitter. Criteria: Invitae Variant Classification Sherloc (09022015). Collection method: clinical testing. Allele origin: germline.

Myriad Genetics, Inc.
Classification: Benign for Lynch syndrome 4. Last evaluated: 2025-01-24. Review status: criteria provided, single submitter. Criteria: Myriad Autosomal Dominant, Autosomal Recessive and X-Linked Classification Criteria (2023). Collection method: clinical testing. Allele origin: unknown.
Comment: This variant is considered benign. This variant is a silent/synonymous amino acid change and it is not expected to impact splicing.

Color Diagnostics, LLC DBA Color Health
Classification: Likely benign for Hereditary cancer-predisposing syndrome. Last evaluated: 2023-12-05. Review status: criteria provided, single submitter. Criteria: ACMG Guidelines, 2015. Collection method: clinical testing. Allele origin: germline.

Ambry Genetics
Classification: Likely benign for Hereditary cancer-predisposing syndrome. Last evaluated: 2023-06-01. Review status: criteria provided, single submitter. Criteria: Ambry Variant Classification Scheme 2023. Collection method: clinical testing. Allele origin: germline.

NM_000535.7(PMS2):c.349C>T (p.Leu117=)

Gene: PMS2 (PMS1 homolog 2, mismatch repair system component; minus strand). Cytogenetic location: 7p22.1.
Variant type: single nucleotide variant.
Coding change: c.349C>T on transcript NM_000535.7 (MANE Select); coding-DNA position 349, C replaced by T.
Protein change: p.Leu117=; no amino-acid change (leucine 117 retained).
Molecular consequence: synonymous variant. On other transcripts: 5 prime UTR variant (9), non-coding transcript variant (1), intron variant (2).
Genome position (GRCh38, 1-based): chr7:6,003,694, G>A on the plus strand (C>T on the coding strand, the complement: PMS2 is on the minus strand). VCF-style: chr7-6003694-G-A. GRCh37 (hg19) VCF-style: chr7-6043325-G-A.
Other names: c.-57C>T (NM_001322003.2, NM_001322004.2, NM_001322005.2 and 3 more transcripts); c.349C>T, p.Leu117= (NM_001322006.2, NM_001322014.2); c.-536C>T (NM_001322011.2, NM_001322012.2); c.-136C>T (NM_001322015.2); c.35+278C>T (NM_001322008.2, NM_001322007.2).
Identifiers: ClinVar variation 628480 (VCV000628480.17), dbSNP rs1554304592, ClinGen allele CA453647871.